The following is an entry in ClinVar:

ClinVar aggregate classification (germline): Likely benign. Review status: criteria provided, multiple submitters, no conflicts (2 of 4 stars). 4 submissions from 4 submitters: Likely benign (4). Last evaluated 2025-08-10.

Conditions:
Arrhythmogenic right ventricular dysplasia 11. Also called: Arrhythmogenic Right Ventricular Dysplasia/Cardiomyopathy11; ARRHYTHMOGENIC RIGHT VENTRICULAR DYSPLASIA, FAMILIAL, 11; Arrhythmogenic right ventricular dysplasia 11 with mild palmoplantar keratoderma and woolly hair. Identifiers: MedGen C1864850, MONDO:0012506, OMIM 610476.
Cardiovascular phenotype. Identifiers: MedGen CN230736.
Cardiomyopathy (CMYO). Also called: Cardiomyopathies. Identifiers: Orphanet 167848, MedGen C0878544, MONDO:0004994, HP:0001638. Inheritance: Various modes of inheritance.

Allele frequency attached by ClinVar (database versions not stated): TOPMed below 0.00001; ExAC 0.00001; gnomAD exomes below 0.00001.
gnomAD v4.1: 2 of 1,614,034 alleles (0.00012%); highest among the groups gnomAD compares: Non-Finnish European, 0.00017%; no homozygotes.

Submissions (4):

Labcorp Genetics (formerly Invitae), Labcorp
Classification: Likely benign for Arrhythmogenic right ventricular dysplasia 11. Last evaluated: 2025-08-10. Review status: criteria provided, single submitter. Criteria: Invitae Variant Classification Sherloc (09022015). Collection method: clinical testing. Allele origin: germline.

Ambry Genetics
Classification: Likely benign for Cardiovascular phenotype. Last evaluated: 2024-12-28. Review status: criteria provided, single submitter. Criteria: Ambry Variant Classification Scheme 2023. Collection method: clinical testing. Allele origin: germline.

Color Diagnostics, LLC DBA Color Health
Classification: Likely benign for Cardiomyopathy. Last evaluated: 2019-12-16. Review status: criteria provided, single submitter. Criteria: ACMG Guidelines, 2015. Collection method: clinical testing. Allele origin: germline.

GeneDx
Classification: Likely benign. Last evaluated: 2016-07-25. Review status: criteria provided, single submitter. Criteria: GeneDx Variant Classification (06012015). Collection method: clinical testing. Allele origin: germline. Affected: yes.
Comment: This variant is considered likely benign or benign based on one or more of the following criteria: it is a conservative change, it occurs at a poorly conserved position in the protein, it is predicted to be benign by multiple in silico algorithms, and/or has population frequency not consistent with disease.

NM_024422.6(DSC2):c.1323T>C (p.Ala441=)

Gene: DSC2 (desmocollin 2; minus strand). Cytogenetic location: 18q12.1.
Variant type: single nucleotide variant.
Coding change: c.1323T>C on transcript NM_024422.6 (MANE Select); coding-DNA position 1323, T replaced by C.
Protein change: p.Ala441=; no amino-acid change (alanine 441 retained).
Molecular consequence: synonymous variant.
Genome position (GRCh38, 1-based): chr18:31,080,293, A>G on the plus strand (T>C on the coding strand, the complement: DSC2 is on the minus strand). VCF-style: chr18-31080293-A-G. GRCh37 (hg19) VCF-style: chr18-28660259-A-G.
Other names: c.1323T>C, p.Ala441= (NM_004949.5).
Identifiers: ClinVar variation 379196 (VCV000379196.8), dbSNP rs745795354, ClinGen allele CA030958.